The following is an entry in ClinVar:

NM_020911.2(PLXNA4):c.3085C>T (p.His1029Tyr)

Gene: PLXNA4 (plexin A4; minus strand). Cytogenetic location: 7q32.3.
Variant type: single nucleotide variant.
Coding change: c.3085C>T on transcript NM_020911.2 (MANE Select); coding-DNA position 3085, C replaced by T.
Protein change: p.His1029Tyr; replaces histidine 1029 with tyrosine.
Molecular consequence: missense variant.
Genome position (GRCh38, 1-based): chr7:132,185,372, G>A on the plus strand (C>T on the coding strand, the complement: PLXNA4 is on the minus strand). VCF-style: chr7-132185372-G-A. GRCh37 (hg19) VCF-style: chr7-131870131-G-A.
Other names: c.3085C>T, p.His1029Tyr (NM_001393897.1); short protein forms H1029Y.
Identifiers: ClinVar variation 4978740 (VCV004978740.1).

ClinVar aggregate classification (germline): Uncertain significance (1 of 4 stars; one submission).

Conditions:
PLXNA4-related disorder. Also called: PLXNA4-related condition.

gnomAD v4.1: 105 of 1,613,988 alleles (0.0065%); highest among the groups gnomAD compares: Non-Finnish European, 0.0086%; no homozygotes.

Submission:

PreventionGenetics, part of Exact Sciences
Classification: Uncertain significance for PLXNA4-related condition. Last evaluated: 2026-02-16. Review status: criteria provided, single submitter. Criteria: ACMG Guidelines, 2015. Collection method: clinical testing. Allele origin: germline.
Comment: The PLXNA4 c.3085C>T variant is predicted to result in the amino acid substitution p.His1029Tyr. To our knowledge, this variant has not been reported in the literature. This variant is reported in 0.0039% of alleles in individuals of European (Non-Finnish) descent in gnomAD. At this time, the clinical significance of this variant is uncertain due to the absence of conclusive functional and genetic evidence.